The following is an entry in ClinVar:

NM_018941.4(CLN8):c.77C>T (p.Thr26Met)

Gene: CLN8 (CLN8 transmembrane ER and ERGIC protein; plus strand). Cytogenetic location: 8p23.3.
Variant type: single nucleotide variant.
Coding change: c.77C>T on transcript NM_018941.4 (MANE Select); coding-DNA position 77, C replaced by T.
Protein change: p.Thr26Met; replaces threonine 26 with methionine.
Molecular consequence: missense variant.
Genome position (GRCh38, 1-based): chr8:1,771,131, C>T. VCF-style: chr8-1771131-C-T. GRCh37 (hg19) VCF-style: chr8-1719297-C-T.
Other names: short protein forms T26M.
Identifiers: ClinVar variation 409294 (VCV000409294.9), dbSNP rs755846977, ClinGen allele CA4599191.
Genomic context (GRCh38, chr8:1,771,131, plus strand): 5'-ATGGGGGCACATCAGAGAGCATTTTTGACCTGGACTATGCATCCTGGGGGATCCGCTCCA[C>T]GCTGATGGTCGCTGGCTTTGTCTTCTACTTGGGCGTCTTTGTGGTCTGCCACCAGCTGTC-3'
Protein context (NP_061764.2, residues 16-36): LDYASWGIRS[Thr26Met]LMVAGFVFYL

ClinVar aggregate classification (germline): Uncertain significance. Review status: criteria provided, multiple submitters, no conflicts (2 of 4 stars). 3 submissions from 3 submitters: Uncertain significance (2). 1 of the submissions does not count toward it. Last evaluated 2025-12-31.

Conditions:
Neuronal ceroid lipofuscinosis. Also called: Neuronal Ceroid Lipofuscinoses. Identifiers: Orphanet 216, Orphanet 79263, MedGen C0027877, MONDO:0016295. Disease mechanism: loss of function.
Neuronal ceroid lipofuscinosis 8 (CLN8). Also called: CLN8-Related Neuronal Ceroid-Lipofuscinosis. Identifiers: Orphanet 168491, Orphanet 228354, Orphanet 79264, MedGen C1838570, MONDO:0010830, OMIM 600143.

Allele frequency attached by ClinVar (database versions not stated): TOPMed 0.00002; ExAC 0.00004.

Submissions (3):

GeneDx
Classification: Uncertain significance. Last evaluated: 2025-12-31. Review status: criteria provided, single submitter. Criteria: GeneDx Variant Classification Process June 2021. Collection method: clinical testing. Allele origin: germline. Affected: yes.
Comment: In silico analysis suggests that this missense variant does not alter protein structure/function; Has not been previously published as pathogenic or benign to our knowledge

Labcorp Genetics (formerly Invitae), Labcorp
Classification: Uncertain significance for Neuronal ceroid lipofuscinosis. Last evaluated: 2022-09-27. Review status: criteria provided, single submitter. Criteria: Invitae Variant Classification Sherloc (09022015). Collection method: clinical testing. Allele origin: germline.
Comment: This sequence change replaces threonine, which is neutral and polar, with methionine, which is neutral and non-polar, at codon 26 of the CLN8 protein (p.Thr26Met). This variant is present in population databases (rs755846977, gnomAD 0.03%). This variant has not been reported in the literature in individuals affected with CLN8-related conditions. ClinVar contains an entry for this variant (Variation ID: 409294). Advanced modeling of protein sequence and biophysical properties (such as structural, functional, and spatial information, amino acid conservation, physicochemical variation, residue mobility, and thermodynamic stability) has been performed at Invitae for this missense variant, however the output from this modeling did not meet the statistical confidence thresholds required to predict the impact of this variant on CLN8 protein function. In summary, the available evidence is currently insufficient to determine the role of this variant in disease. Therefore, it has been classified as a Variant of Uncertain Significance.

Natera, Inc.
Classification: Uncertain significance for Neuronal ceroid lipofuscinosis 8. Last evaluated: 2020-08-10. Review status: no assertion criteria provided. Collection method: clinical testing. Allele origin: germline. Not counted in ClinVar's aggregate classification.